The following is an entry in ClinVar:

NM_015259.6(ICOSLG):c.386A>T (p.Glu129Val)

Gene: ICOSLG (inducible T cell costimulator ligand; minus strand). Cytogenetic location: 21q22.3.
Variant type: single nucleotide variant.
Coding change: c.386A>T on transcript NM_015259.6 (MANE Select); coding-DNA position 386, A replaced by T.
Protein change: p.Glu129Val; replaces glutamic acid 129 with valine.
Molecular consequence: missense variant. On other transcripts: intron variant (1).
Genome position (GRCh38, 1-based): chr21:44,236,887, T>A on the plus strand (A>T on the coding strand, the complement: ICOSLG is on the minus strand). VCF-style: chr21-44236887-T-A. GRCh37 (hg19) VCF-style: chr21-45656770-T-A.
Other names: c.386A>T, p.Glu129Val (NM_001283050.2, NM_001395918.1); c.131A>T, p.Glu44Val (NM_001283052.2); c.305A>T, p.Glu102Val (NM_001365759.2); c.56-1325A>T (NM_001283051.2); short protein forms E102V, E44V, E129V.
Identifiers: ClinVar variation 2179855 (VCV002179855.4), dbSNP rs2517847505, ClinGen allele CA410615811.

ClinVar aggregate classification (germline): Uncertain significance (1 of 4 stars; one submission).

Submission:

Labcorp Genetics (formerly Invitae), Labcorp
Classification: Uncertain significance. Last evaluated: 2022-03-12. Review status: criteria provided, single submitter. Criteria: Invitae Variant Classification Sherloc (09022015). Collection method: clinical testing. Allele origin: germline.
Comment: This variant has not been reported in the literature in individuals affected with ICOSLG-related conditions. In summary, the available evidence is currently insufficient to determine the role of this variant in disease. Therefore, it has been classified as a Variant of Uncertain Significance. Algorithms developed to predict the effect of missense changes on protein structure and function output the following: SIFT: "Tolerated"; PolyPhen-2: "Benign"; Align-GVGD: "Class C0". The valine amino acid residue is found in multiple mammalian species, which suggests that this missense change does not adversely affect protein function. This variant is not present in population databases (gnomAD no frequency). This sequence change replaces glutamic acid, which is acidic and polar, with valine, which is neutral and non-polar, at codon 129 of the ICOSLG protein (p.Glu129Val).